The following is an entry in ClinVar:

NM_181507.2(HPS5):c.1948dup (p.Thr650fs)

Gene: HPS5 (HPS5 biogenesis of lysosomal organelles complex 2 subunit 2; minus strand). Cytogenetic location: 11p15.1.
Variant type: Duplication.
Coding change: c.1948dup on transcript NM_181507.2 (MANE Select); coding-DNA position 1948, one base duplicated (A; older notation c.1948dupA).
Protein change: p.Thr650fs; shifts the reading frame from threonine 650.
Molecular consequence: frameshift variant.
Genome position (GRCh38, 1-based): chr11:18,291,934, T duplicated on the plus strand (A on the coding strand, the reverse complement: HPS5 is on the minus strand); the first of 6 consecutive T bases (chr11:18,291,934-18,291,939); duplicating any one gives the same sequence. VCF-style (leftmost placement, unchanged base first): chr11-18291933-G-GT. GRCh37 (hg19) VCF-style: chr11-18313480-G-GT.
Other names: c.1606dup, p.Thr536fs (NM_007216.4); c.1601dup, p.Thr536Asnfs (NM_181508.2); short protein forms T536fs, T650fs.
Identifiers: ClinVar variation 2985458 (VCV002985458.3), dbSNP rs1161105539, ClinGen allele CA597491237.

ClinVar aggregate classification (germline): Pathogenic (1 of 4 stars; one submission).

Submission:

Labcorp Genetics (formerly Invitae), Labcorp
Classification: Pathogenic. Last evaluated: 2023-04-10. Review status: criteria provided, single submitter. Criteria: Invitae Variant Classification Sherloc (09022015). Collection method: clinical testing. Allele origin: germline.
Comment: For these reasons, this variant has been classified as Pathogenic. This variant has not been reported in the literature in individuals affected with HPS5-related conditions. This variant is present in population databases (no rsID available, gnomAD 0.003%). This sequence change creates a premature translational stop signal (p.Thr650Asnfs*14) in the HPS5 gene. It is expected to result in an absent or disrupted protein product. Loss-of-function variants in HPS5 are known to be pathogenic (PMID: 12548288, 15296495, 21833017, 26785811).

Literature cited by the submitters: PubMed 12548288; PubMed 15296495; PubMed 21833017; PubMed 26785811.